The following is an entry in ClinVar:

ClinVar aggregate classification (germline): Uncertain significance (1 of 4 stars; one submission).

Conditions:
Neurofibromatosis, type 1 (NF1). Also called: Peripheral type neurofibromatosis; Neurofibromatosis, type I; VON RECKLINGHAUSEN DISEASE; NEUROFIBROMATOSIS, TYPE I, SOMATIC. Identifiers: Orphanet 636, MedGen C0027831, MONDO:0018975, OMIM 162200. Disease mechanism: loss of function.

Allele frequency attached by ClinVar (database versions not stated): gnomAD exomes below 0.00001.
gnomAD v4.1: 3 of 1,613,750 alleles (0.00019%); highest among the groups gnomAD compares: East Asian, 0.0022%; no homozygotes.

Submission:

Labcorp Genetics (formerly Invitae), Labcorp
Classification: Uncertain significance for Neurofibromatosis, type 1. Last evaluated: 2018-03-06. Review status: criteria provided, single submitter. Criteria: Invitae Variant Classification Sherloc (09022015). Collection method: clinical testing. Allele origin: germline.
Comment: This variant has not been reported in the literature in individuals with NF1-related disease. In summary, the available evidence is currently insufficient to determine the role of this variant in disease. Therefore, it has been classified as a Variant of Uncertain Significance. Algorithms developed to predict the effect of missense changes on protein structure and function (SIFT, PolyPhen-2, Align-GVGD) all suggest that this variant is likely to be tolerated, but these predictions have not been confirmed by published functional studies and their clinical significance is uncertain. This variant is not present in population databases (ExAC no frequency). This sequence change replaces methionine with valine at codon 799 of the NF1 protein (p.Met799Val). The methionine residue is moderately conserved and there is a small physicochemical difference between methionine and valine.

NM_001042492.3(NF1):c.2395A>G (p.Met799Val)

Gene: NF1 (neurofibromin 1; plus strand). Cytogenetic location: 17q11.2.
Variant type: single nucleotide variant.
Coding change: c.2395A>G on transcript NM_001042492.3 (MANE Select); coding-DNA position 2395, A replaced by G.
Protein change: p.Met799Val; replaces methionine 799 with valine.
Molecular consequence: missense variant.
Genome position (GRCh38, 1-based): chr17:31,227,592, A>G. VCF-style: chr17-31227592-A-G. GRCh37 (hg19) VCF-style: chr17-29554610-A-G.
Other names: c.2395A>G, p.Met799Val (NM_000267.4); short protein forms M799V.
Identifiers: ClinVar variation 575761 (VCV000575761.5), dbSNP rs1060500317, ClinGen allele CA398983275.
Genomic context (GRCh38, chr17:31,227,592, plus strand): 5'-GATACACATGCAAAATGGGAACAAGCAACAAAGCTAATCCTTAACTATCCAAAAGCCAAA[A>G]TGGAAGATGGCCAGGTAAGTCTGTAAAGTTGACTTTTGTCTGTTAACTGATCTGCTAAAT-3'
Protein context (NP_001035957.1, residues 789-809): KLILNYPKAK[Met799Val]EDGQAAESLH